The following is an entry in ClinVar:

NM_000718.4(CACNA1B):c.6149ACC[6] (p.His2054_Arg2055insHis)

Gene: CACNA1B (calcium voltage-gated channel subunit alpha1 B; plus strand). Cytogenetic location: 9q34.3.
Variant type: Microsatellite.
Coding change: c.6149ACC[6] on transcript NM_000718.4 (MANE Select); six copies in a row of the 3-base unit ACC starting at c.6149; the reference has five copies in a row; one copy, 3 bases duplicated.
Protein change: p.His2054_Arg2055insHis.
Molecular consequence: inframe insertion.
Genome position (GRCh38, 1-based): chr9:138,120,295-138,120,297, ACC duplicated; duplicating any 3 consecutive bases within chr9:138,120,282-138,120,297 gives the same sequence; the position shown is the placement nearest the transcript's 3' end. VCF-style (leftmost placement, unchanged base first): chr9-138120281-G-GCAC. GRCh37 (hg19) VCF-style: chr9-141014733-G-GCAC.
Other names: c.6149ACC[6], p.His2054_Arg2055insHis (NM_001243812.2).
Identifiers: ClinVar variation 2161274 (VCV002161274.1), dbSNP rs763315639, ClinGen allele CA5377626.
Genomic context (GRCh38, chr9:138,120,281, plus strand): 5'-CCGTGGGACTCATCTTTGCAGCACCACCCCGGACCGCCCACCCCCTAGCCAGGCGTCGTC[G>GCAC]CACCACCACCACCACCGCTGCCACCGCCGCAGGGACAGGAAGCAGAGGTCCCTGGAGAAG-3'

ClinVar aggregate classification (germline): Uncertain significance (1 of 4 stars; one submission).

Submission:

Labcorp Genetics (formerly Invitae), Labcorp
Classification: Uncertain significance. Last evaluated: 2022-08-31. Review status: criteria provided, single submitter. Criteria: Invitae Variant Classification Sherloc (09022015). Collection method: clinical testing. Allele origin: germline.
Comment: This variant, c.6161_6163dup, results in the insertion of 1 amino acid(s) of the CACNA1B protein (p.His2054dup), but otherwise preserves the integrity of the reading frame. This variant is present in population databases (rs776259999, gnomAD 0.02%), including at least one homozygous and/or hemizygous individual. This variant has not been reported in the literature in individuals affected with CACNA1B-related conditions. In summary, the available evidence is currently insufficient to determine the role of this variant in disease. Therefore, it has been classified as a Variant of Uncertain Significance.